The following is an entry in ClinVar:

ClinVar aggregate classification (germline): Pathogenic (1 of 4 stars; one submission).

Submission:

GeneDx
Classification: Pathogenic. Last evaluated: 2023-09-08. Review status: criteria provided, single submitter. Criteria: GeneDx Variant Classification Process June 2021. Collection method: clinical testing. Allele origin: germline. Affected: yes.
Comment: Frameshift variant predicted to result in protein truncation or nonsense mediated decay in a gene for which loss of function is a known mechanism of disease; Not observed at significant frequency in large population cohorts (gnomAD); This variant is associated with the following publications: (PMID: 23849264)

NM_004168.4(SDHA):c.117del (p.Asn40fs)

Gene: SDHA (succinate dehydrogenase complex flavoprotein subunit A; plus strand). Cytogenetic location: 5p15.33.
Variant type: Deletion.
Coding change: c.117del on transcript NM_004168.4 (MANE Select); coding-DNA position 117, one base deleted (G; older notation c.117delG).
Protein change: p.Asn40fs; shifts the reading frame from asparagine 40.
Molecular consequence: frameshift variant.
Genome position (GRCh38, 1-based): chr5:223,535, G deleted; the last of 3 consecutive G bases (chr5:223,533-223,535); deleting any one gives the same sequence. VCF-style (leftmost placement, unchanged base first): chr5-223532-TG-T. GRCh37 (hg19) VCF-style: chr5-223647-TG-T.
Other names: c.117del, p.Asn40fs (NM_001294332.2, NM_001330758.2); short protein forms N40fs.
Identifiers: ClinVar variation 3338849 (VCV003338849.1).